The following is an entry in ClinVar:

ClinVar aggregate classification (germline): Uncertain significance (1 of 4 stars; one submission).

Conditions:
CACNA1G-related disorder. Also called: CACNA1G-related disorders; CACNA1G-related condition.

gnomAD v4.1: 3 of 1,613,896 alleles (0.00019%); highest among the groups gnomAD compares: Non-Finnish European, 0.00025%; no homozygotes.

Submission:

PreventionGenetics, part of Exact Sciences
Classification: Uncertain significance for CACNA1G-related condition. Last evaluated: 2024-11-25. Review status: criteria provided, single submitter. Criteria: ACMG Guidelines, 2015. Collection method: clinical testing. Allele origin: germline.
Comment: The CACNA1G c.4375A>G variant is predicted to result in the amino acid substitution p.Ser1459Gly. To our knowledge, this variant has not been reported in the literature. This variant is reported in 0.00089% of alleles in individuals of European (Non-Finnish) descent in gnomAD. At this time, the clinical significance of this variant is uncertain due to the absence of conclusive functional and genetic evidence.

NM_018896.5(CACNA1G):c.4375A>G (p.Ser1459Gly)

Gene: CACNA1G (calcium voltage-gated channel subunit alpha1 G; plus strand). Cytogenetic location: 17q21.33.
Variant type: single nucleotide variant.
Coding change: c.4375A>G on transcript NM_018896.5 (MANE Select); coding-DNA position 4375, A replaced by G.
Protein change: p.Ser1459Gly; replaces serine 1459 with glycine.
Molecular consequence: missense variant. On other transcripts: non-coding transcript variant (5).
Genome position (GRCh38, 1-based): chr17:50,605,976, A>G. VCF-style: chr17-50605976-A-G. GRCh37 (hg19) VCF-style: chr17-48683337-A-G.
Other names: c.4375A>G, p.Ser1459Gly (NM_001256324.2, NM_001256325.2, NM_001256326.2 and 16 more transcripts); c.4306A>G, p.Ser1436Gly (NM_001256332.2, NM_198376.3, NM_198379.3 and 5 more transcripts); short protein forms S1459G, S1436G.
Identifiers: ClinVar variation 5002413 (VCV005002413.1).